The following is an entry in ClinVar:

ClinVar aggregate classification (germline): Uncertain significance. Review status: criteria provided, multiple submitters, no conflicts (2 of 4 stars). 2 submissions from 2 submitters: Uncertain significance (2). Last evaluated 2025-09-19.

Conditions:
Hereditary nonpolyposis colorectal neoplasms. Identifiers: MedGen C0009405, MeSH D003123.
Hereditary cancer-predisposing syndrome. Also called: Hereditary Cancer Syndrome; Hereditary neoplastic syndrome; Tumor predisposition; Neoplastic Syndromes, Hereditary. Identifiers: Orphanet 140162, MedGen C0027672, MeSH D009386, MONDO:0015356.

Allele frequency attached by ClinVar (database versions not stated): gnomAD exomes below 0.00001.
gnomAD v4.1: 1 of 1,614,114 alleles (0.000062%); highest among the groups gnomAD compares: Non-Finnish European, 0.000085%; no homozygotes.

Submissions (2):

Labcorp Genetics (formerly Invitae), Labcorp
Classification: Uncertain significance for Hereditary nonpolyposis colorectal neoplasms. Last evaluated: 2025-09-19. Review status: criteria provided, single submitter. Criteria: Invitae Variant Classification Sherloc (09022015). Collection method: clinical testing. Allele origin: germline.
Comment: This sequence change replaces valine, which is neutral and non-polar, with leucine, which is neutral and non-polar, at codon 809 of the MSH6 protein (p.Val809Leu). This variant is not present in population databases (gnomAD no frequency). This variant has not been reported in the literature in individuals affected with MSH6-related conditions. ClinVar contains an entry for this variant (Variation ID: 1791086). Invitae Evidence Modeling of protein sequence and biophysical properties (such as structural, functional, and spatial information, amino acid conservation, physicochemical variation, residue mobility, and thermodynamic stability) indicates that this missense variant is not expected to disrupt MSH6 protein function with a negative predictive value of 95%. In summary, the available evidence is currently insufficient to determine the role of this variant in disease. Therefore, it has been classified as a Variant of Uncertain Significance.

Ambry Genetics
Classification: Uncertain significance for Hereditary cancer-predisposing syndrome. Last evaluated: 2025-05-02. Review status: criteria provided, single submitter. Criteria: Ambry Variant Classification Scheme 2023. Collection method: clinical testing. Allele origin: germline.
Comment: The p.V809L variant (also known as c.2425G>T), located in coding exon 4 of the MSH6 gene, results from a G to T substitution at nucleotide position 2425. The valine at codon 809 is replaced by leucine, an amino acid with highly similar properties. This amino acid position is not well conserved in available vertebrate species. In addition, this alteration is predicted to be tolerated by in silico analysis. Based on the available evidence, the clinical significance of this variant remains unclear.

NM_000179.3(MSH6):c.2425G>T (p.Val809Leu)

Gene: MSH6 (mutS homolog 6; plus strand). Cytogenetic location: 2p16.3.
Variant type: single nucleotide variant.
Coding change: c.2425G>T on transcript NM_000179.3 (MANE Select); coding-DNA position 2425, G replaced by T.
Protein change: p.Val809Leu; replaces valine 809 with leucine.
Molecular consequence: missense variant.
Genome position (GRCh38, 1-based): chr2:47,800,408, G>T. VCF-style: chr2-47800408-G-T. GRCh37 (hg19) VCF-style: chr2-48027547-G-T.
Other names: c.2035G>T, p.Val679Leu (NM_001281492.2); c.1519G>T, p.Val507Leu (NM_001281493.2, NM_001281494.2, NM_001406811.1 and 6 more transcripts); c.2521G>T, p.Val841Leu (NM_001406795.1, NM_001406802.1); c.2425G>T, p.Val809Leu (NM_001406796.1, NM_001406798.1, NM_001406800.1 and 2 more transcripts); c.2128G>T, p.Val710Leu (NM_001406797.1, NM_001406801.1, NM_001406805.1 and 10 more transcripts); c.1900G>T, p.Val634Leu (NM_001406799.1, NM_001406806.1, NM_001406807.1); c.2347G>T, p.Val783Leu (NM_001406804.1); c.2431G>T, p.Val811Leu (NM_001406813.1); and 1 more; short protein forms V679L, V753L, V811L, V841L, V507L, V634L, V710L, V783L.
Identifiers: ClinVar variation 1791086 (VCV001791086.7), dbSNP rs1446543957, ClinGen allele CA346754021.